The following is an entry in ClinVar:

NM_006245.4(PPP2R5D):c.595G>T (p.Asp199Tyr)

Gene: PPP2R5D (protein phosphatase 2 regulatory subunit B'delta; plus strand). Cytogenetic location: 6p21.1.
Variant type: single nucleotide variant.
Coding change: c.595G>T on transcript NM_006245.4 (MANE Select); coding-DNA position 595, G replaced by T.
Protein change: p.Asp199Tyr; replaces aspartic acid 199 with tyrosine.
Molecular consequence: missense variant.
Genome position (GRCh38, 1-based): chr6:43,007,268, G>T. VCF-style: chr6-43007268-G-T. GRCh37 (hg19) VCF-style: chr6-42975006-G-T.
Other names: c.142G>T, p.Asp48Tyr (NM_001270476.2); c.499G>T, p.Asp167Tyr (NM_180976.3); c.277G>T, p.Asp93Tyr (NM_180977.3); short protein forms D167Y, D199Y, D48Y, D93Y.
Identifiers: ClinVar variation 3367359 (VCV003367359.1).
Genomic context (GRCh38, chr6:43,007,268, plus strand): 5'-CTCTTCCGGACGCTGCCACCTTCATCGAATCCCACAGGGGCTGAGTTTGACCCAGAGGAA[G>T]ATGAGCCCACCCTGGAAGCTGCTTGGCCACATCTCCAGGTACCAGGGCAAGGGGGCAGAT-3'
Protein context (NP_006236.1, residues 189-209): PTGAEFDPEE[Asp199Tyr]EPTLEAAWPH

ClinVar aggregate classification (germline): Uncertain significance (1 of 4 stars; one submission).

Submission:

GeneDx
Classification: Uncertain significance. Last evaluated: 2023-12-28. Review status: criteria provided, single submitter. Criteria: GeneDx Variant Classification Process June 2021. Collection method: clinical testing. Allele origin: germline. Affected: yes.
Comment: Not observed at significant frequency in large population cohorts (gnomAD); In silico analysis supports that this missense variant has a deleterious effect on protein structure/function; Has not been previously published as pathogenic or benign to our knowledge